The following is an entry in ClinVar:

ClinVar aggregate classification (germline): Likely benign (1 of 4 stars; one submission).

Allele frequency attached by ClinVar (database versions not stated): ESP Exome Variant Server 0.00008; TOPMed 0.00008; ExAC 0.00009; gnomAD 0.00010; gnomAD exomes 0.00012.
gnomAD v4.1: 180 of 1,612,686 alleles (0.011%); highest among the groups gnomAD compares: Non-Finnish European, 0.015%; no homozygotes.

Submission:

CeGaT Center for Human Genetics Tuebingen
Classification: Likely benign. Last evaluated: 2022-05-01. Review status: criteria provided, single submitter. Criteria: CeGaT Center For Human Genetics Tuebingen Variant Classification Criteria Version 2. Collection method: clinical testing. Allele origin: germline. Affected: yes. Observed: 1 variant allele.
Comment: SPTBN4: BP4, BP7

NM_020971.3(SPTBN4):c.1434T>C (p.Ile478=)

Gene: SPTBN4 (spectrin beta, non-erythrocytic 4; plus strand). Cytogenetic location: 19q13.2.
Variant type: single nucleotide variant.
Coding change: c.1434T>C on transcript NM_020971.3 (MANE Select); coding-DNA position 1434, T replaced by C.
Protein change: p.Ile478=; no amino-acid change (isoleucine 478 retained).
Molecular consequence: synonymous variant.
Genome position (GRCh38, 1-based): chr19:40,503,901, T>C. VCF-style: chr19-40503901-T-C. GRCh37 (hg19) VCF-style: chr19-41009808-T-C.
Identifiers: ClinVar variation 2649884 (VCV002649884.22), dbSNP rs373750183, ClinGen allele CA9445643.